The following is an entry in ClinVar:

NM_006231.4(POLE):c.556G>A (p.Ala186Thr)

Gene: POLE (DNA polymerase epsilon, catalytic subunit; minus strand). Cytogenetic location: 12q24.33.
Variant type: single nucleotide variant.
Coding change: c.556G>A on transcript NM_006231.4 (MANE Select); coding-DNA position 556, G replaced by A.
Protein change: p.Ala186Thr; replaces alanine 186 with threonine.
Molecular consequence: missense variant.
Genome position (GRCh38, 1-based): chr12:132,679,519, C>T on the plus strand (G>A on the coding strand, the complement: POLE is on the minus strand). VCF-style: chr12-132679519-C-T. GRCh37 (hg19) VCF-style: chr12-133256105-C-T.
Other names: short protein forms A186T.
Identifiers: ClinVar variation 473743 (VCV000473743.20), dbSNP rs375213599, ClinGen allele CA6894290.
Genomic context (GRCh38, chr12:132,679,519, plus strand): 5'-TGAACCGCTGATGCTTTGCTCACAAGACCAAAGTTTACCTGGAAAGCAGAGCTGTGTACG[C>T]GTCGCTGGCGTGATCCTGCTCCCTGTTCTTCTTCACGGCAGGGGAGATCTCCTTCCTCAC-3'
Protein context (NP_006222.2, residues 176-196): KNREQDHASD[Ala186Thr]YTALLSSVLQ

ClinVar aggregate classification (germline): Conflicting classifications of pathogenicity. Review status: criteria provided, conflicting classifications (1 of 4 stars). 8 submissions from 8 submitters: Uncertain significance (7); Likely benign (1). Last evaluated 2026-01-18.

Conditions:
Hereditary cancer-predisposing syndrome. Also called: Neoplastic Syndromes, Hereditary; Tumor predisposition; Hereditary Cancer Syndrome; Hereditary neoplastic syndrome. Identifiers: Orphanet 140162, MedGen C0027672, MeSH D009386, MONDO:0015356.

Allele frequency attached by ClinVar (database versions not stated): gnomAD exomes 0.00001 and 0.00002; ExAC 0.00002; TOPMed 0.00006; ESP Exome Variant Server 0.00008; gnomAD 0.00008 and 0.00010.
gnomAD v4.1: 32 of 1,613,388 alleles (0.002%); highest among the groups gnomAD compares: African/African-American, 0.019%; no homozygotes.

Submissions (8):

Labcorp Genetics (formerly Invitae), Labcorp
Classification: Uncertain significance. Last evaluated: 2026-01-18. Review status: criteria provided, single submitter. Criteria: Invitae Variant Classification Sherloc (09022015). Collection method: clinical testing. Allele origin: germline.
Comment: This sequence change replaces alanine, which is neutral and non-polar, with threonine, which is neutral and polar, at codon 186 of the POLE protein (p.Ala186Thr). This variant is present in population databases (rs375213599, gnomAD 0.02%). This variant has not been reported in the literature in individuals affected with POLE-related conditions. ClinVar contains an entry for this variant (Variation ID: 473743). Invitae Evidence Modeling of protein sequence and biophysical properties (such as structural, functional, and spatial information, amino acid conservation, physicochemical variation, residue mobility, and thermodynamic stability) indicates that this missense variant is not expected to disrupt POLE protein function with a negative predictive value of 80%. In summary, the available evidence is currently insufficient to determine the role of this variant in disease. Therefore, it has been classified as a Variant of Uncertain Significance.

Center for Genomic Medicine, Rigshospitalet, Copenhagen University Hospital
Classification: Uncertain significance. Last evaluated: 2025-03-04. Review status: criteria provided, single submitter. Criteria: ACMG Guidelines, 2015. Collection method: clinical testing. Allele origin: germline.

Ambry Genetics
Classification: Likely benign for Hereditary cancer-predisposing syndrome. Last evaluated: 2024-10-17. Review status: criteria provided, single submitter. Criteria: Ambry Variant Classification Scheme 2023. Collection method: clinical testing. Allele origin: germline.

GeneDx
Classification: Uncertain significance. Last evaluated: 2022-12-29. Review status: criteria provided, single submitter. Criteria: GeneDx Variant Classification Process June 2021. Collection method: clinical testing. Allele origin: germline. Affected: yes.
Comment: In silico analysis supports that this missense variant does not alter protein structure/function; Has not been previously published as pathogenic or benign to our knowledge; This variant is associated with the following publications: (PMID: 28558987)

Women's Health and Genetics/Laboratory Corporation of America, LabCorp
Classification: Uncertain significance. Last evaluated: 2019-09-23. Review status: criteria provided, single submitter. Criteria: LabCorp Variant Classification Summary - May 2015. Collection method: clinical testing. Allele origin: germline.
Comment: Variant summary: POLE c.556G>A (p.Ala186Thr) results in a non-conservative amino acid change located in the DNA-directed DNA polymerase, family B, exonuclease domain (IPR006133) of the encoded protein sequence. Four of five in-silico tools predict a benign effect of the variant on protein function. The variant allele was found at a frequency of 2e-05 in 251362 control chromosomes (gnomAD). The available data on variant occurrences in the general population are insufficient to allow any conclusion about variant significance. c.556G>A has been reported in the literature in an individual affected with Renal Medullary Carcinoma (Carlo_2017). However, this report does not provide an unequivocal conclusion about association of the variant with Colorectal Cancer. To our knowledge, no experimental evidence demonstrating an impact on protein function has been reported. Three ClinVar submitters (evaluation after 2014) cite the variant as uncertain significance. Based on the evidence outlined above, the variant was classified as uncertain significance.

Quest Diagnostics Nichols Institute San Juan Capistrano
Classification: Uncertain significance. Last evaluated: 2018-04-11. Review status: criteria provided, single submitter. Criteria: Quest Diagnostics criteria. Collection method: clinical testing. Allele origin: germline.

PreventionGenetics, part of Exact Sciences
Classification: Uncertain significance. Last evaluated: 2018-01-17. Review status: criteria provided, single submitter. Criteria: ACMG Guidelines, 2015. Collection method: clinical testing. Allele origin: germline.

Breakthrough Genomics
Classification: Uncertain significance. Review status: criteria provided, single submitter. Criteria: ACMG Guidelines, 2015. Collection method: not provided. Allele origin: germline. Inheritance: Autosomal recessive inheritance. Affected: yes.

Literature cited by the submitters: PubMed 28558987 (cited by Women's Health and Genetics/Laboratory Corporation of America, LabCorp).